The following is an entry in ClinVar:

ClinVar aggregate classification (germline): Uncertain significance. Review status: criteria provided, multiple submitters, no conflicts (2 of 4 stars). 2 submissions from 2 submitters: Uncertain significance (2). Last evaluated 2025-03-20.

Submissions (2):

Revvity Omics, Revvity
Classification: Uncertain significance. Last evaluated: 2025-03-20. Review status: criteria provided, single submitter. Criteria: ACMG Guidelines, 2015. Collection method: clinical testing. Allele origin: germline.

Labcorp Genetics (formerly Invitae), Labcorp
Classification: Uncertain significance. Last evaluated: 2023-12-15. Review status: criteria provided, single submitter. Criteria: Invitae Variant Classification Sherloc (09022015). Collection method: clinical testing. Allele origin: germline.
Comment: This sequence change falls in intron 1 of the CFH gene. It does not directly change the encoded amino acid sequence of the CFH protein. It affects a nucleotide within the consensus splice site. This variant is not present in population databases (gnomAD no frequency). This variant has not been reported in the literature in individuals affected with CFH-related conditions. Variants that disrupt the consensus splice site are a relatively common cause of aberrant splicing (PMID: 17576681, 9536098). Algorithms developed to predict the effect of sequence changes on RNA splicing suggest that this variant is not likely to affect RNA splicing. In summary, the available evidence is currently insufficient to determine the role of this variant in disease. Therefore, it has been classified as a Variant of Uncertain Significance.

Literature cited by the submitters: PubMed 17576681 (cited by Labcorp Genetics (formerly Invitae), Labcorp); PubMed 9536098 (cited by Labcorp Genetics (formerly Invitae), Labcorp).

NM_000186.4(CFH):c.58+5G>T

Gene: CFH (complement factor H; plus strand). Cytogenetic location: 1q31.3.
Variant type: single nucleotide variant.
Coding change: c.58+5G>T on transcript NM_000186.4 (MANE Select); 5 bases into the intron after coding-DNA position 58, G replaced by T.
Molecular consequence: intron variant.
Genome position (GRCh38, 1-based): chr1:196,652,180, G>T. VCF-style: chr1-196652180-G-T. GRCh37 (hg19) VCF-style: chr1-196621310-G-T.
Other names: c.58+5G>T (NM_001014975.3).
Identifiers: ClinVar variation 2777878 (VCV002777878.4), dbSNP rs2529283900, ClinGen allele CA2649641178.
Genomic context (GRCh38, chr1:196,652,180, plus strand): 5'-GAGACTTCTAGCAAAGATTATTTGCCTTATGTTATGGGCTATTTGTGTAGCAGAAGGTAA[G>T]ATTAAAAGAGACTCTTTTCTGAAAACTGTATTATGAAACATTTGCTAATGATGCTTTTCA-3'